The following is an entry in ClinVar:

ClinVar aggregate classification (germline): Uncertain significance (1 of 4 stars; one submission).

Allele frequency attached by ClinVar (database versions not stated): gnomAD exomes below 0.00001.
gnomAD v4.1: 2 of 1,614,190 alleles (0.00012%); highest among the groups gnomAD compares: Non-Finnish European, 0.00017%; no homozygotes.

Submission:

Labcorp Genetics (formerly Invitae), Labcorp
Classification: Uncertain significance. Last evaluated: 2022-11-01. Review status: criteria provided, single submitter. Criteria: Invitae Variant Classification Sherloc (09022015). Collection method: clinical testing. Allele origin: germline.
Comment: Advanced modeling of protein sequence and biophysical properties (such as structural, functional, and spatial information, amino acid conservation, physicochemical variation, residue mobility, and thermodynamic stability) performed at Invitae indicates that this missense variant is not expected to disrupt SERPING1 protein function. ClinVar contains an entry for this variant (Variation ID: 1469731). This variant has not been reported in the literature in individuals affected with SERPING1-related conditions. This variant is present in population databases (no rsID available, gnomAD no frequency). This sequence change replaces serine, which is neutral and polar, with glycine, which is neutral and non-polar, at codon 64 of the SERPING1 protein (p.Ser64Gly). In summary, the available evidence is currently insufficient to determine the role of this variant in disease. Therefore, it has been classified as a Variant of Uncertain Significance.

NM_000062.3(SERPING1):c.190A>G (p.Ser64Gly)

Gene: SERPING1 (serpin family G member 1; plus strand). Cytogenetic location: 11q12.1.
Variant type: single nucleotide variant.
Coding change: c.190A>G on transcript NM_000062.3 (MANE Select); coding-DNA position 190, A replaced by G.
Protein change: p.Ser64Gly; replaces serine 64 with glycine.
Molecular consequence: missense variant.
Genome position (GRCh38, 1-based): chr11:57,600,017, A>G. VCF-style: chr11-57600017-A-G. GRCh37 (hg19) VCF-style: chr11-57367490-A-G.
Other names: c.190A>G, p.Ser64Gly (NM_001032295.2); short protein forms S64G.
Identifiers: ClinVar variation 1469731 (VCV001469731.8), dbSNP rs1380783158, ClinGen allele CA380694716.